The following is an entry in ClinVar:

NM_004409.5(DMPK):c.*224CTG[375]

Genes: DM1-AS (DM1 locus antisense RNA; plus strand), DMPK (DM1 protein kinase; minus strand), LOC107075317 (origin of replication in DMPK trinucleotide repeat region; plus strand), LOC109461477 (dystrophia myotonica protein kinase repeat instability region; plus strand). Cytogenetic location: 19q13.32.
Variant type: Microsatellite.
Coding change: c.*224CTG[375] on transcript NM_004409.5 (MANE Select); 375 copies in a row of the 3-base unit CTG starting at c.*224.
Molecular consequence: 3 prime UTR variant.
Genome position: GRCh38, VCF-style position (the base before the change): chr19:45,770,204. GRCh37 (hg19), VCF-style position (the base before the change): chr19:46,273,462.
Other names: DM1 CTG repeat expansion; c.*224CTG[375] (NM_001081560.3, NM_001288764.2, NM_001424165.1 and 1 more transcripts); c.*217CTG[375] (NM_001081562.3, NM_001288765.2, NM_001424162.1 and 2 more transcripts); c.*222_*224TGC[375] (NM_001081563.3); c.*369CTG[375] (NM_001288766.2, NM_001424164.1, NM_001424168.1).
Identifiers: ClinVar variation 187971 (VCV000187971.1), ClinGen allele CA915951781.

ClinVar aggregate classification (germline): Pathogenic (0 of 4 stars; one submission).

Conditions:
Steinert myotonic dystrophy syndrome (DM1). Also called: STEINERT DISEASE; Myotonic dystrophy type 1; Dystrophia myotonica type 1; Steinert myotonic dystrophy; Steinert's disease. Identifiers: Orphanet 273, MedGen C3250443, MONDO:0008056, OMIM 160900.

Submission:

Institute of Molecular, Cell and Systems Biology, University of Glasgow
Classification: Pathogenic for Steinert myotonic dystrophy syndrome. Review status: no assertion criteria provided. Criteria: research. Collection method: research. Allele origin: germline. Inheritance: Autosomal dominant inheritance. Affected: yes. Observed: 1 heterozygote.
Comment: DMPK CTG repeat expansions greater than approximately 45-50 repeats are assumed to be pathogenic

This record is based on data published in PubMed 25052313, which reports only ClinVar accessions SCV000120188 and SCV000120189. The complete data set includes SCV000207445 - SCV000207579.

Literature cited by the submitters: PubMed 1346923; PubMed 1546326; PubMed 25052313.